The following is an entry in ClinVar:

ClinVar aggregate classification (germline): Pathogenic/Likely pathogenic. Review status: criteria provided, multiple submitters, no conflicts (2 of 4 stars). 7 submissions from 7 submitters: Pathogenic (2); Likely pathogenic (3). 2 of the submissions do not count toward it. Last evaluated 2024-09-19.

Conditions:
Congenital disorder of glycosylation (CDG). Also called: Carbohydrate-deficient glycoprotein syndrome; Congenital disorders of glycosylation. Identifiers: Orphanet 137, MedGen C0282577, MONDO:0015286.
ALG1-congenital disorder of glycosylation. Also called: CONGENITAL DISORDER OF GLYCOSYLATION, TYPE Ik; CDG Ik; ALG1-CDG. Identifiers: Orphanet 79327, MedGen C2931005, MONDO:0012052, OMIM 608540.

Allele frequency attached by ClinVar (database versions not stated): gnomAD exomes below 0.00001 and 0.00001; TOPMed 0.00001; ExAC 0.00002; gnomAD 0.00003; ESP Exome Variant Server 0.00008.

Submissions (7):

Labcorp Genetics (formerly Invitae), Labcorp
Classification: Pathogenic for ALG1-congenital disorder of glycosylation. Last evaluated: 2024-09-19. Review status: criteria provided, single submitter. Criteria: Invitae Variant Classification Sherloc (09022015). Collection method: clinical testing. Allele origin: germline.
Comment: This sequence change replaces arginine, which is basic and polar, with tryptophan, which is neutral and slightly polar, at codon 276 of the ALG1 protein (p.Arg276Trp). This variant is present in population databases (rs151173406, gnomAD 0.003%). This missense change has been observed in individual(s) with congenital disorder of glycosylation (PMID: 20679665, 26931382; internal data). In at least one individual the data is consistent with being in trans (on the opposite chromosome) from a pathogenic variant. ClinVar contains an entry for this variant (Variation ID: 30539). Invitae Evidence Modeling of protein sequence and biophysical properties (such as structural, functional, and spatial information, amino acid conservation, physicochemical variation, residue mobility, and thermodynamic stability) indicates that this missense variant is expected to disrupt ALG1 protein function with a positive predictive value of 80%. Algorithms developed to predict the effect of sequence changes on RNA splicing suggest that this variant may disrupt the consensus splice site. For these reasons, this variant has been classified as Pathogenic.

Women's Health and Genetics/Laboratory Corporation of America, LabCorp
Classification: Pathogenic for ALG1-congenital disorder of glycosylation. Last evaluated: 2023-10-12. Review status: criteria provided, single submitter. Criteria: LabCorp Variant Classification Summary - May 2015. Collection method: clinical testing. Allele origin: germline.
Comment: Variant summary: ALG1 c.826C>T (p.Arg276Trp) results in a non-conservative amino acid change located in the glycosyl transferase, family 1 domain (IPR001296) of the encoded protein sequence. Five of five in-silico tools predict a damaging effect of the variant on protein function. The variant allele was found at a frequency of 8e-06 in 248830 control chromosomes (gnomAD). c.826C>T has been reported as a compound heterozygous genotype in the literature in multiple individuals affected with Congenital Disorder Of Glycosylation Type 1K, including at least one individual where it was confirmed to be in trans with a pathogenic variant and one case where it was reported as a de novo occurrence (e.g. Dupre_2010, Ng_2016, Fang_2021, Abu Bakar_2022). These data indicate that the variant is very likely to be associated with disease. A functional study examining the impact of the variant using an alg1-deficient yeast strain found that the variant was not able to rescue the growth-deficient phenotype to the same extent as the wild type protein (Ng_2016), however, as this assay is not quantitative it does not necessarily allow strong conclusions about the variant effect. The following publications have been ascertained in the context of this evaluation (PMID: 35279850, 20679665, 34020146, 26931382). Five submitters have cited clinical-significance assessments for this variant to ClinVar after 2014. All submitters classified the variant as likely pathogenic. Based on the evidence outlined above, the variant was classified as pathogenic.

3billion
Classification: Likely pathogenic for ALG1-congenital disorder of glycosylation. Last evaluated: 2022-09-01. Review status: criteria provided, single submitter. Criteria: ACMG Guidelines, 2015. Collection method: clinical testing. Allele origin: germline. Affected: yes. Observed: 1 heterozygote.
Comment: The variant is observed at an extremely low frequency in the gnomAD v2.1.1 dataset (total allele frequency: <0.001%). The variant is in trans with the other pathogenic variant. In silico tool predictions suggest damaging effect of the variant on gene or gene product (REVEL: 0.66; 3Cnet: 0.55). Same nucleotide change resulting in same amino acid change has been previously reported as pathogenic/likely pathogenic with strong evidence (ClinVar ID: VCV000030539). Therefore, this variant is classified as Likely pathogenic according to the recommendation of ACMG/AMP guideline.

New York Genome Center
Classification: Likely pathogenic for ALG1-congenital disorder of glycosylation. Last evaluated: 2020-05-07. Review status: criteria provided, single submitter. Criteria: NYGC Assertion Criteria 2020. Collection method: clinical testing. Allele origin: germline. Observed: 1 heterozygote. Study: CSER-NYCKidSeq.

GeneDx
Classification: Likely pathogenic. Last evaluated: 2020-02-11. Review status: criteria provided, single submitter. Criteria: GeneDx Variant Classification Process June 2021. Collection method: clinical testing. Allele origin: germline. Affected: yes.
Comment: The variant impaired the normal function of ALG1 (Ng et al., 2016); Not observed at a significant frequency in large population cohorts (Lek et al., 2016); This variant is associated with the following publications: (PMID: 26931382, 20679665, 27670784)

University of Washington Center for Mendelian Genomics, University of Washington
Classification: Likely pathogenic for Congenital disorder of glycosylation. Last evaluated: 2017-05-25. Review status: no assertion criteria provided. Collection method: research. Allele origin: unknown. Affected: yes. Not counted in ClinVar's aggregate classification.

OMIM
Classification: Pathogenic for CONGENITAL DISORDER OF GLYCOSYLATION, TYPE Ik. Last evaluated: 2010-11-01. Review status: no assertion criteria provided. Collection method: literature only. Allele origin: germline. Not counted in ClinVar's aggregate classification.

Literature cited by the submitters: PubMed 20679665 (cited by 3 submitters); PubMed 26931382 (cited by 3 submitters); PubMed 35279850 (cited by Women's Health and Genetics/Laboratory Corporation of America, LabCorp); PubMed 34020146 (cited by Women's Health and Genetics/Laboratory Corporation of America, LabCorp).

NM_019109.5(ALG1):c.826C>T (p.Arg276Trp)

Gene: ALG1 (ALG1 chitobiosyldiphosphodolichol beta-mannosyltransferase; plus strand). Cytogenetic location: 16p13.3.
Variant type: single nucleotide variant.
Coding change: c.826C>T on transcript NM_019109.5 (MANE Select); coding-DNA position 826, C replaced by T.
Protein change: p.Arg276Trp; replaces arginine 276 with tryptophan.
Molecular consequence: missense variant.
Genome position (GRCh38, 1-based): chr16:5,078,842, C>T. VCF-style: chr16-5078842-C-T. GRCh37 (hg19) VCF-style: chr16-5128843-C-T.
Other names: R276W; c.493C>T, p.Arg165Trp (NM_001330504.2); short protein forms R165W.
Identifiers: ClinVar variation 30539 (VCV000030539.14), dbSNP rs151173406, ClinGen allele CA277976.
Genomic context (GRCh38, chr16:5,078,842, plus strand): 5'-GAGCGGTCGGCCTTCACGGAGCGGGATGCTGGGAGCGGGCTGGTGACGCGTCTCCGTGAG[C>T]GGCCAGCCCTGCTGGTCAGCAGCACGAGCTGGACAGGTCTGCAGGACCCCTGGGGCACTT-3'
Protein context (NP_061982.3, residues 266-286): GSGLVTRLRE[Arg276Trp]PALLVSSTSW